The following is an entry in ClinVar:

ClinVar aggregate classification (germline): Likely benign. Review status: criteria provided, multiple submitters, no conflicts (2 of 4 stars). 2 submissions from 2 submitters: Likely benign (2). Last evaluated 2024-03-13.

Allele frequency attached by ClinVar (database versions not stated): gnomAD exomes below 0.00001; ExAC 0.00001; TOPMed 0.00004; gnomAD 0.00005 and 0.00006.
gnomAD v4.1: 12 of 1,612,594 alleles (0.00074%); highest among the groups gnomAD compares: African/African-American, 0.016%; no homozygotes.

Submissions (2):

Labcorp Genetics (formerly Invitae), Labcorp
Classification: Likely benign. Last evaluated: 2024-03-13. Review status: criteria provided, single submitter. Criteria: Invitae Variant Classification Sherloc (09022015). Collection method: clinical testing. Allele origin: germline.

GeneDx
Classification: Likely benign. Last evaluated: 2018-04-23. Review status: criteria provided, single submitter. Criteria: GeneDx Variant Classification (06012015). Collection method: clinical testing. Allele origin: germline. Affected: yes.
Comment: This variant is considered likely benign or benign based on one or more of the following criteria: it is a conservative change, it occurs at a poorly conserved position in the protein, it is predicted to be benign by multiple in silico algorithms, and/or has population frequency not consistent with disease.

NM_003659.4(AGPS):c.1856-15A>T

Gene: AGPS (alkylglycerone phosphate synthase; plus strand). Cytogenetic location: 2q31.2.
Variant type: single nucleotide variant.
Coding change: c.1856-15A>T on transcript NM_003659.4 (MANE Select); 15 bases into the intron before coding-DNA position 1856, A replaced by T.
Molecular consequence: intron variant.
Genome position (GRCh38, 1-based): chr2:177,538,059, A>T. VCF-style: chr2-177538059-A-T. GRCh37 (hg19) VCF-style: chr2-178402787-A-T.
Identifiers: ClinVar variation 682370 (VCV000682370.8), dbSNP rs747252484, ClinGen allele CA1980460.
Genomic context (GRCh38, chr2:177,538,059, plus strand): 5'-CACTCATGGTCACAAGATTGATTGGTTCCCAGTATCATAGCATATATTGAAGCATTTTTG[A>T]TTTTGTTTTTCCAGTGGGCAAGTTACGGAAGCAATGGCTAAAGGAAAGTATCTCTGATGT-3'